The following is an entry in ClinVar:

ClinVar aggregate classification (germline): Uncertain significance (1 of 4 stars; one submission).

Conditions:
Candidiasis, familial, 8 (CANDF8). Identifiers: Orphanet 1334, MedGen C3714992, MONDO:0014230, OMIM 615527.

Allele frequency attached by ClinVar (database versions not stated): gnomAD exomes below 0.00001; TOPMed below 0.00001; ExAC 0.00002; ESP Exome Variant Server 0.00008.
gnomAD v4.1: 4 of 1,614,238 alleles (0.00025%); highest among the groups gnomAD compares: Non-Finnish European, 0.00034%; no homozygotes.

Submission:

Labcorp Genetics (formerly Invitae), Labcorp
Classification: Uncertain significance for Candidiasis, familial, 8. Last evaluated: 2021-02-26. Review status: criteria provided, single submitter. Criteria: Invitae Variant Classification Sherloc (09022015). Collection method: clinical testing. Allele origin: germline.
Comment: This variant has not been reported in the literature in individuals with TRAF3IP2-related conditions. Algorithms developed to predict the effect of missense changes on protein structure and function are either unavailable or do not agree on the potential impact of this missense change (SIFT: "Deleterious"; PolyPhen-2: "Benign"; Align-GVGD: "Class C0"). In summary, the available evidence is currently insufficient to determine the role of this variant in disease. Therefore, it has been classified as a Variant of Uncertain Significance. This variant is present in population databases (rs372064320, ExAC 0.003%). This sequence change replaces serine with leucine at codon 159 of the TRAF3IP2 protein (p.Ser159Leu). The serine residue is moderately conserved and there is a large physicochemical difference between serine and leucine.

NM_147686.4(TRAF3IP2):c.476C>T (p.Ser159Leu)

Genes: TRAF3IP2-AS1 (TRAF3IP2 antisense RNA 1; plus strand), TRAF3IP2 (TRAF3 interacting protein 2; minus strand), LOC114803478 (TRAF3IP2 eExon liver enhancer; plus strand). Cytogenetic location: 6q21.
Variant type: single nucleotide variant.
Coding change: c.476C>T on transcript NM_147686.4 (MANE Select); coding-DNA position 476, C replaced by T.
Protein change: p.Ser159Leu; replaces serine 159 with leucine.
Molecular consequence: missense variant.
Genome position (GRCh38, 1-based): chr6:111,591,611, G>A on the plus strand (C>T on the coding strand, the complement: TRAF3IP2 is on the minus strand). VCF-style: chr6-111591611-G-A. GRCh37 (hg19) VCF-style: chr6-111912814-G-A.
Other names: c.476C>T, p.Ser159Leu (NM_001164281.3); c.503C>T, p.Ser168Leu (NM_147200.3); short protein forms S168L, S159L.
Identifiers: ClinVar variation 1394643 (VCV001394643.8), dbSNP rs372064320, ClinGen allele CA3963322.